The following is an entry in ClinVar:

ClinVar aggregate classification (germline): Likely benign. Review status: criteria provided, single submitter (1 of 4 stars). 2 submissions from 2 submitters: Likely benign (1). 1 of the submissions does not count toward it. Last evaluated 2025-04-16.

Conditions:
TTC8-related disorder. Also called: TTC8-related condition.
Bardet-Biedl syndrome (BBS). Identifiers: Orphanet 110, MedGen C0752166, MONDO:0015229.

Allele frequency attached by ClinVar (database versions not stated): gnomAD exomes below 0.00001; gnomAD 0.00001; TOPMed 0.00001.

Submissions (2):

Labcorp Genetics (formerly Invitae), Labcorp
Classification: Likely benign for Bardet-Biedl syndrome. Last evaluated: 2025-04-16. Review status: criteria provided, single submitter. Criteria: Invitae Variant Classification Sherloc (09022015). Collection method: clinical testing. Allele origin: germline.

PreventionGenetics, part of Exact Sciences
Classification: Likely benign for TTC8-related condition. Last evaluated: 2022-04-06. Review status: no assertion criteria provided. Collection method: clinical testing. Allele origin: germline. Not counted in ClinVar's aggregate classification.
Comment: This variant is classified as likely benign based on ACMG/AMP sequence variant interpretation guidelines (Richards et al. 2015 PMID: 25741868, with internal and published modifications).

NM_144596.4(TTC8):c.390A>G (p.Gly130=)

Gene: TTC8 (tetratricopeptide repeat domain 8; plus strand). Cytogenetic location: 14q31.3.
Variant type: single nucleotide variant.
Coding change: c.390A>G on transcript NM_144596.4 (MANE Select); coding-DNA position 390, A replaced by G.
Protein change: p.Gly130=; no amino-acid change (glycine 130 retained).
Molecular consequence: synonymous variant. On other transcripts: 5 prime UTR variant (2), non-coding transcript variant (1).
Genome position (GRCh38, 1-based): chr14:88,841,097, A>G. VCF-style: chr14-88841097-A-G. GRCh37 (hg19) VCF-style: chr14-89307441-A-G.
Other names: c.390A>G (NM_144596.3); c.360A>G, p.Gly120= (NM_001288781.1, NM_001366535.2, NM_001366536.2 and 2 more transcripts); c.-203A>G (NM_001288782.1); c.-298A>G (NM_001288783.1).
Identifiers: ClinVar variation 2906222 (VCV002906222.4), dbSNP rs923509887, ClinGen allele CA264583555.